The following is an entry in ClinVar:

ClinVar aggregate classification (germline): Uncertain significance. Review status: criteria provided, multiple submitters, no conflicts (2 of 4 stars). 2 submissions from 2 submitters: Uncertain significance (2). Last evaluated 2025-12-26.

Conditions:
Congenital disorder of glycosylation type 1EE with or without immunodeficiency. Identifiers: Orphanet 695110, MedGen C6012707, MONDO:0976261, OMIM 621140.

gnomAD v4.1: 23 of 1,614,046 alleles (0.0014%); highest among the groups gnomAD compares: South Asian, 0.0066%; no homozygotes.

Submissions (2):

Dasa
Classification: Uncertain significance for Congenital disorder of glycosylation type 1EE with or without immunodeficiency. Last evaluated: 2025-12-26. Review status: criteria provided, single submitter. Criteria: DASA Assertion Criteria. Collection method: clinical testing. Allele origin: germline.
Comment: NM_015274.3(MAN2B2):c.463G>A (p.Ala155Thr) is a missense variant that results in the substitution of alanine with threonine. This variant is rare in population databases. The currently available literature and clinical evidence are not sufficient to establish a definitive association between this variant and the reported condition. Therefore, this variant is classified as a variant of uncertain significance.

Ambry Genetics
Classification: Uncertain significance. Last evaluated: 2025-05-28. Review status: criteria provided, single submitter. Criteria: Ambry Variant Classification Scheme 2023. Collection method: clinical testing. Allele origin: germline.

NM_015274.3(MAN2B2):c.463G>A (p.Ala155Thr)

Gene: MAN2B2 (mannosidase alpha class 2B member 2; plus strand). Cytogenetic location: 4p16.1.
Variant type: single nucleotide variant.
Coding change: c.463G>A on transcript NM_015274.3 (MANE Select); coding-DNA position 463, G replaced by A.
Protein change: p.Ala155Thr; replaces alanine 155 with threonine.
Molecular consequence: missense variant.
Genome position (GRCh38, 1-based): chr4:6,587,067, G>A. VCF-style: chr4-6587067-G-A. GRCh37 (hg19) VCF-style: chr4-6588794-G-A.
Other names: c.463G>A, p.Ala155Thr (NM_001292038.2); short protein forms A155T.
Identifiers: ClinVar variation 4050922 (VCV004050922.3).